The following is an entry in ClinVar:

NM_004360.5(CDH1):c.1808G>C (p.Cys603Ser)

Gene: CDH1 (cadherin 1; plus strand). Cytogenetic location: 16q22.1.
Variant type: single nucleotide variant.
Coding change: c.1808G>C on transcript NM_004360.5 (MANE Select); coding-DNA position 1808, G replaced by C.
Protein change: p.Cys603Ser; replaces cysteine 603 with serine.
Molecular consequence: missense variant. On other transcripts: 5 prime UTR variant (1).
Genome position (GRCh38, 1-based): chr16:68,822,097, G>C. VCF-style: chr16-68822097-G-C. GRCh37 (hg19) VCF-style: chr16-68856000-G-C.
Other names: c.1808G>C (LRG_301t1); c.1625G>C, p.Cys542Ser (NM_001317184.2); c.260G>C, p.Cys87Ser (NM_001317185.2); c.-158G>C (NM_001317186.2); short protein forms C603S, C542S, C87S.
Identifiers: ClinVar variation 220630 (VCV000220630.7), dbSNP rs864622612, ClinGen allele CA348729.

ClinVar aggregate classification (germline): Uncertain significance (1 of 4 stars; one submission).

Conditions:
Hereditary diffuse gastric adenocarcinoma (HDGC). Also called: DIFFUSE GASTRIC AND LOBULAR BREAST CANCER SYNDROME. Identifiers: Orphanet 26106, MedGen C1708349, MONDO:0007648, OMIM 137215.

Submission:

Labcorp Genetics (formerly Invitae), Labcorp
Classification: Uncertain significance for Hereditary diffuse gastric adenocarcinoma. Last evaluated: 2015-10-19. Review status: criteria provided, single submitter. Criteria: Invitae Variant Classification Sherloc (09022015). Collection method: clinical testing. Allele origin: germline.
Comment: In summary, this is a novel missense change with uncertain impact on protein function. It has been classified as a Variant of Uncertain Significance. This variant is not present in population databases (ExAC no frequency) and has not been reported in the literature. Algorithms developed to predict the effect of missense changes on protein structure and function do not agree on the potential impact of this missense change (SIFT: "Deleterious"; PolyPhen-2: "Possibly Damaging"; Align-GVGD: "Class C0"). This sequence change replaces cysteine with serine at codon 603 of the CDH1 protein (p.Cys603Ser). The cysteine residue is highly conserved and there is a moderate physicochemical difference between cysteine and serine.